The following is an entry in ClinVar:

NM_001372.4(DNAH9):c.1771G>A (p.Glu591Lys)

Gene: DNAH9 (dynein axonemal heavy chain 9; plus strand). Cytogenetic location: 17p12.
Variant type: single nucleotide variant.
Coding change: c.1771G>A on transcript NM_001372.4 (MANE Select); coding-DNA position 1771, G replaced by A.
Protein change: p.Glu591Lys; replaces glutamic acid 591 with lysine.
Molecular consequence: missense variant.
Genome position (GRCh38, 1-based): chr17:11,636,769, G>A. VCF-style: chr17-11636769-G-A. GRCh37 (hg19) VCF-style: chr17-11540086-G-A.
Other names: c.1771G>A (NM_001372.3); short protein forms E591K.
Identifiers: ClinVar variation 2054138 (VCV002054138.3), dbSNP rs146918340, ClinGen allele CA8394957.

ClinVar aggregate classification (germline): Uncertain significance. Review status: criteria provided, multiple submitters, no conflicts (2 of 4 stars). 2 submissions from 2 submitters: Uncertain significance (2). Last evaluated 2025-03-31.

Conditions:
Inborn genetic diseases. Identifiers: MedGen C0950123, MeSH D030342.

Allele frequency attached by ClinVar (database versions not stated): gnomAD 0.00018; TOPMed 0.00023; ESP Exome Variant Server 0.00031; ExAC 0.00013.
gnomAD v4.1: 579 of 1,613,974 alleles (0.036%); highest among the groups gnomAD compares: East Asian, 0.049%; no homozygotes.

Submissions (2):

Ambry Genetics
Classification: Uncertain significance for Inborn genetic diseases. Last evaluated: 2025-03-31. Review status: criteria provided, single submitter. Criteria: Ambry Variant Classification Scheme 2023. Collection method: clinical testing. Allele origin: germline.

Labcorp Genetics (formerly Invitae), Labcorp
Classification: Uncertain significance. Last evaluated: 2022-09-05. Review status: criteria provided, single submitter. Criteria: Invitae Variant Classification Sherloc (09022015). Collection method: clinical testing. Allele origin: germline.
Comment: This sequence change replaces glutamic acid, which is acidic and polar, with lysine, which is basic and polar, at codon 591 of the DNAH9 protein (p.Glu591Lys). This variant is present in population databases (rs146918340, gnomAD 0.09%). This variant has not been reported in the literature in individuals affected with DNAH9-related conditions. Algorithms developed to predict the effect of missense changes on protein structure and function output the following: SIFT: "Tolerated"; PolyPhen-2: "Benign"; Align-GVGD: "Class C0". The lysine amino acid residue is found in multiple mammalian species, which suggests that this missense change does not adversely affect protein function. In summary, the available evidence is currently insufficient to determine the role of this variant in disease. Therefore, it has been classified as a Variant of Uncertain Significance.